The following is an entry in ClinVar:

NM_002049.4(GATA1):c.678C>T (p.Asn226=)

Gene: GATA1 (GATA binding protein 1; plus strand). Cytogenetic location: Xp11.23.
Variant type: single nucleotide variant.
Coding change: c.678C>T on transcript NM_002049.4 (MANE Select); coding-DNA position 678, C replaced by T.
Protein change: p.Asn226=; no amino-acid change (asparagine 226 retained).
Molecular consequence: synonymous variant.
Genome position (GRCh38, 1-based): chrX:48,792,402, C>T. VCF-style: chrX-48792402-C-T. GRCh37 (hg19) VCF-style: chrX-48650809-C-T.
Other names: p.Asn226=; c.678C>T (NM_002049.3).
Identifiers: ClinVar variation 1166816 (VCV001166816.11), dbSNP rs370522986, ClinGen allele CA10404647.

ClinVar aggregate classification (germline): Benign/Likely benign. Review status: criteria provided, multiple submitters, no conflicts (2 of 4 stars). 3 submissions from 3 submitters: Benign (1); Likely benign (2). Last evaluated 2025-12-23.

Conditions:
GATA1-related disorder. Also called: GATA1-related condition.
Diamond-Blackfan anemia. Also called: Blackfan Diamond syndrome; Aregenerative anemia chronic congenital; Red cell aplasia, pure hereditary; Congenital hypoplastic anemia; Aase syndrome. Identifiers: Orphanet 124, MedGen C1260899, MeSH D029503, MONDO:0015253, HP:0004810.
GATA binding protein 1 related thrombocytopenia with dyserythropoiesis. Also called: GATA1-Related Cytopenia; GATA1-Related X-Linked Cytopenia. Identifiers: MedGen C1845837, MONDO:0100089.

Allele frequency attached by ClinVar (database versions not stated): TOPMed 0.00005; gnomAD 0.00006; gnomAD exomes 0.00007; ESP Exome Variant Server 0.00009; ExAC 0.00010; 1000 Genomes Project 30x 0.00021; 1000 Genomes Project 0.00026.

Submissions (3):

Labcorp Genetics (formerly Invitae), Labcorp
Classification: Benign for GATA binding protein 1 related thrombocytopenia with dyserythropoiesis; Diamond-Blackfan anemia. Last evaluated: 2025-12-23. Review status: criteria provided, single submitter. Criteria: Invitae Variant Classification Sherloc (09022015). Collection method: clinical testing. Allele origin: germline.

PreventionGenetics, part of Exact Sciences
Classification: Likely benign for GATA1-related condition. Last evaluated: 2025-03-21. Review status: criteria provided, single submitter. Criteria: ACMG Guidelines, 2015. Collection method: clinical testing. Allele origin: germline.
Comment: This variant is classified as likely benign based on ACMG/AMP sequence variant interpretation guidelines (Richards et al. 2015 PMID: 25741868, with internal and published modifications).

Mayo Clinic Laboratories, Mayo Clinic
Classification: Likely benign. Last evaluated: 2025-03-19. Review status: criteria provided, single submitter. Criteria: ACMG Guidelines, 2015. Collection method: clinical testing. Allele origin: germline. Observed: 1 variant allele.
Comment: BS2, BP4, BP7